The following is an entry in ClinVar:

ClinVar aggregate classification (germline): Uncertain significance (1 of 4 stars; one submission).

Submission:

Ambry Genetics
Classification: Uncertain significance. Last evaluated: 2022-12-12. Review status: criteria provided, single submitter. Criteria: Ambry Variant Classification Scheme 2023. Collection method: clinical testing. Allele origin: germline.
Comment: The p.K147R variant (also known as c.440A>G), located in coding exon 5 of the STAP1 gene, results from an A to G substitution at nucleotide position 440. The lysine at codon 147 is replaced by arginine, an amino acid with highly similar properties. This amino acid position is conserved. In addition, this alteration is predicted to be tolerated by in silico analysis. Since supporting evidence is limited at this time, the clinical significance of this alteration remains unclear.

NM_012108.4(STAP1):c.440A>G (p.Lys147Arg)

Gene: STAP1 (signal transducing adaptor family member 1; plus strand). Cytogenetic location: 4q13.2.
Variant type: single nucleotide variant.
Coding change: c.440A>G on transcript NM_012108.4 (MANE Select); coding-DNA position 440, A replaced by G.
Protein change: p.Lys147Arg; replaces lysine 147 with arginine.
Molecular consequence: missense variant.
Genome position (GRCh38, 1-based): chr4:67,581,381, A>G. VCF-style: chr4-67581381-A-G. GRCh37 (hg19) VCF-style: chr4-68447099-A-G.
Other names: c.440A>G, p.Lys147Arg (NM_001317769.2); short protein forms K147R.
Identifiers: ClinVar variation 2448570 (VCV002448570.2), dbSNP rs2545899575, ClinGen allele CA357051259.